The following is an entry in ClinVar:

ClinVar aggregate classification (germline): Conflicting classifications of pathogenicity. Review status: criteria provided, conflicting classifications (1 of 4 stars). 3 submissions from 3 submitters: Uncertain significance (2); Likely benign (1). Last evaluated 2025-04-01.

Conditions:
Hereditary cancer-predisposing syndrome. Also called: Hereditary Cancer Syndrome; Hereditary neoplastic syndrome; Neoplastic Syndromes, Hereditary; Tumor predisposition. Identifiers: Orphanet 140162, MedGen C0027672, MeSH D009386, MONDO:0015356.
Hereditary breast ovarian cancer syndrome. Also called: Hereditary breast and ovarian cancer; BRCA1- and BRCA2-Associated Hereditary Breast and Ovarian Cancer; Hereditary breast and ovarian cancer syndrome (HBOC); Hereditary breast and ovarian cancer syndrome; Breast and ovarian cancer; Hereditary breast and/or ovarian cancer syndrome. Identifiers: Orphanet 145, MedGen C0677776, MeSH D061325, MONDO:0003582. Disease mechanism: loss of function.

Submissions (3):

Labcorp Genetics (formerly Invitae), Labcorp
Classification: Uncertain significance for Hereditary breast ovarian cancer syndrome. Last evaluated: 2025-04-01. Review status: criteria provided, single submitter. Criteria: Invitae Variant Classification Sherloc (09022015). Collection method: clinical testing. Allele origin: germline.
Comment: This sequence change replaces arginine, which is basic and polar, with proline, which is neutral and non-polar, at codon 448 of the BRCA2 protein (p.Arg448Pro). This variant is not present in population databases (gnomAD no frequency). This variant has not been reported in the literature in individuals affected with BRCA2-related conditions. ClinVar contains an entry for this variant (Variation ID: 1770413). Invitae Evidence Modeling of protein sequence and biophysical properties (such as structural, functional, and spatial information, amino acid conservation, physicochemical variation, residue mobility, and thermodynamic stability) indicates that this missense variant is not expected to disrupt BRCA2 protein function with a negative predictive value of 95%. In summary, the available evidence is currently insufficient to determine the role of this variant in disease. Therefore, it has been classified as a Variant of Uncertain Significance.

University of Washington Department of Laboratory Medicine, University of Washington
Classification: Likely benign for Hereditary cancer-predisposing syndrome. Last evaluated: 2023-03-23. Review status: criteria provided, single submitter. Criteria: Dines et al. (Genet Med. 2020). Collection method: curation. Allele origin: germline.
Comment: Missense variant in a coldspot region where missense variants are very unlikely to be pathogenic (PMID:31911673).

BRCA2 exon 10 coldspot. Reclassification based on statistical prior probability.

Ambry Genetics
Classification: Uncertain significance for Hereditary cancer-predisposing syndrome. Last evaluated: 2022-03-11. Review status: criteria provided, single submitter. Criteria: Ambry Variant Classification Scheme 2023. Collection method: clinical testing. Allele origin: germline.
Comment: The p.R448P variant (also known as c.1343G>C), located in coding exon 9 of the BRCA2 gene, results from a G to C substitution at nucleotide position 1343. The arginine at codon 448 is replaced by proline, an amino acid with dissimilar properties. This amino acid position is conserved. In addition, this alteration is predicted to be tolerated by in silico analysis. Since supporting evidence is limited at this time, the clinical significance of this alteration remains unclear.

NM_000059.4(BRCA2):c.1343G>C (p.Arg448Pro)

Gene: BRCA2 (BRCA2 DNA repair associated; plus strand). Cytogenetic location: 13q13.1.
Variant type: single nucleotide variant.
Coding change: c.1343G>C on transcript NM_000059.4 (MANE Select); coding-DNA position 1343, G replaced by C.
Protein change: p.Arg448Pro; replaces arginine 448 with proline.
Molecular consequence: missense variant.
Genome position (GRCh38, 1-based): chr13:32,332,821, G>C. VCF-style: chr13-32332821-G-C. GRCh37 (hg19) VCF-style: chr13-32906958-G-C.
Other names: c.1343G>C, p.Arg448Pro (NM_001406719.1, NM_001406720.1, NM_001406721.1); short protein forms R448P.
Identifiers: ClinVar variation 1770413 (VCV001770413.9), dbSNP rs80358423, ClinGen allele CA387762740.